The following is an entry in ClinVar:

ClinVar aggregate classification (germline): Pathogenic (1 of 4 stars; one submission).

Conditions:
Hereditary breast ovarian cancer syndrome. Also called: BRCA1- and BRCA2-Associated Hereditary Breast and Ovarian Cancer; Hereditary breast and ovarian cancer syndrome (HBOC); Hereditary breast and/or ovarian cancer syndrome; Hereditary breast and ovarian cancer syndrome; Hereditary breast and ovarian cancer; Breast and ovarian cancer. Identifiers: Orphanet 145, MedGen C0677776, MeSH D061325, MONDO:0003582. Disease mechanism: loss of function.

Submission:

Labcorp Genetics (formerly Invitae), Labcorp
Classification: Pathogenic for Hereditary breast ovarian cancer syndrome. Last evaluated: 2015-10-14. Review status: criteria provided, single submitter. Criteria: Invitae Variant Classification Sherloc (09022015). Collection method: clinical testing. Allele origin: germline.
Comment: This sequence change is a gross deletion of the genomic region encompassing exons 21 to 24 of the BRCA2 gene. This deletion extends to both edges of the assayed region, and the exact 5' and 3' boundaries of this event are not known. It is predicted to lead to an in-frame deletion of 208 amino acids in the BRCA2 protein (p.Glu2878_Thr3085del), which includes a portion of the BRCA2 C-terminal DNA binding domain (PMID: 12228710). Gross deletions in BRCA2 are known to be pathogenic (PMID: 22544547). Deletions overlapping exons 21-24 have been reported in the literature in patients affected with breast and/or ovarian cancer (PMID: 20616022, 22544547). For these reasons, this variant has been classified as Pathogenic.

NM_000059.3(BRCA2):c.8633-?_9256+?del

Gene: BRCA2 (BRCA2 DNA repair associated; plus strand).
Variant type: Deletion.
Coding change: c.8633-?_9256+?del on transcript NM_000059.3.
Other names: c.8633-?_9256+?del (LRG_293t1).
Identifiers: ClinVar variation 219410 (VCV000219410.1).